The following is an entry in ClinVar:

ClinVar aggregate classification (germline): Uncertain significance (1 of 4 stars; one submission).

Submission:

GeneDx
Classification: Uncertain significance. Last evaluated: 2023-12-20. Review status: criteria provided, single submitter. Criteria: GeneDx Variant Classification Process June 2021. Collection method: clinical testing. Allele origin: germline. Affected: yes.
Comment: Not observed at significant frequency in large population cohorts (gnomAD); In silico analysis supports that this missense variant has a deleterious effect on protein structure/function; Has not been previously published as pathogenic or benign to our knowledge

NM_030912.3(TRIM8):c.755A>G (p.Glu252Gly)

Gene: TRIM8 (tripartite motif containing 8; plus strand). Cytogenetic location: 10q24.32.
Variant type: single nucleotide variant.
Coding change: c.755A>G on transcript NM_030912.3 (MANE Select); coding-DNA position 755, A replaced by G.
Protein change: p.Glu252Gly; replaces glutamic acid 252 with glycine.
Molecular consequence: missense variant. On other transcripts: non-coding transcript variant (1).
Genome position (GRCh38, 1-based): chr10:102,655,168, A>G. VCF-style: chr10-102655168-A-G. GRCh37 (hg19) VCF-style: chr10-104414925-A-G.
Other names: c.659A>G, p.Glu220Gly (NM_001345950.1); short protein forms E220G, E252G.
Identifiers: ClinVar variation 3370139 (VCV003370139.1).